The following is an entry in ClinVar:

ClinVar aggregate classification (germline): Uncertain significance (1 of 4 stars; one submission).

gnomAD v4.1: 6 of 1,610,866 alleles (0.00037%); highest among the groups gnomAD compares: African/African-American, 0.0027%; no homozygotes.

Submission:

GeneDx
Classification: Uncertain significance. Last evaluated: 2024-06-21. Review status: criteria provided, single submitter. Criteria: GeneDx Variant Classification Process June 2021. Collection method: clinical testing. Allele origin: germline. Affected: yes.
Comment: Not observed at significant frequency in large population cohorts (gnomAD); In silico analysis indicates that this missense variant does not alter protein structure/function; Has not been previously published as pathogenic or benign to our knowledge

NM_001135629.3(PPP1R21):c.1663A>G (p.Thr555Ala)

Gene: PPP1R21 (protein phosphatase 1 regulatory subunit 21; plus strand). Cytogenetic location: 2p16.3.
Variant type: single nucleotide variant.
Coding change: c.1663A>G on transcript NM_001135629.3 (MANE Select); coding-DNA position 1663, A replaced by G.
Protein change: p.Thr555Ala; replaces threonine 555 with alanine.
Molecular consequence: missense variant. On other transcripts: non-coding transcript variant (1), intron variant (1).
Genome position (GRCh38, 1-based): chr2:48,495,742, A>G. VCF-style: chr2-48495742-A-G. GRCh37 (hg19) VCF-style: chr2-48722881-A-G.
Other names: c.1663A>G, p.Thr555Ala (NM_152994.5); c.1600-2751A>G (NM_001193475.2); short protein forms T555A.
Identifiers: ClinVar variation 3392678 (VCV003392678.1).